The following is an entry in ClinVar:

ClinVar aggregate classification (germline): Conflicting classifications of pathogenicity. Review status: criteria provided, conflicting classifications (1 of 4 stars). 3 submissions from 3 submitters: Uncertain significance (1); Likely benign (2). Last evaluated 2026-03-04.

Conditions:
Neuropathy, hereditary sensory, type 2C. Also called: KIF1A-Related HSAN2 (HSAN2C); Hereditary sensory and autonomic neuropathy type IIC. Identifiers: Orphanet 970, MedGen C3280168, MONDO:0013634, OMIM 614213.
Intellectual disability, autosomal dominant 9 (NESCAVS). Also called: NESCAV SYNDROME; KIF1A-Related Neurodevelopmental Disorder. Identifiers: Orphanet 662367, MedGen C5393830, MONDO:0013656, OMIM 614255.
Hereditary spastic paraplegia 30. Identifiers: Orphanet 101010, MedGen C5235139, MONDO:0012476.
KIF1A-related disorder. Also called: KIF1A-related disorders; KIF1A-related condition.

Allele frequency attached by ClinVar (database versions not stated): ExAC 0.00002; gnomAD 0.00002; gnomAD exomes 0.00002; TOPMed 0.00003.
gnomAD v4.1: 27 of 1,607,922 alleles (0.0017%); highest among the groups gnomAD compares: East Asian, 0.0023%; no homozygotes.

Submissions (3):

PreventionGenetics, part of Exact Sciences
Classification: Likely benign for KIF1A-related condition. Last evaluated: 2026-03-04. Review status: criteria provided, single submitter. Criteria: ACMG Guidelines, 2015. Collection method: clinical testing. Allele origin: germline.
Comment: This variant is classified as likely benign based on ACMG/AMP sequence variant interpretation guidelines (Richards et al. 2015 PMID: 25741868, with internal and published modifications).

Labcorp Genetics (formerly Invitae), Labcorp
Classification: Likely benign for Hereditary spastic paraplegia 30; Neuropathy, hereditary sensory, type 2C; Intellectual disability, autosomal dominant 9. Last evaluated: 2025-04-20. Review status: criteria provided, single submitter. Criteria: Invitae Variant Classification Sherloc (09022015). Collection method: clinical testing. Allele origin: germline.

ARUP Laboratories, Molecular Genetics and Genomics, ARUP Laboratories
Classification: Uncertain significance. Last evaluated: 2025-03-31. Review status: criteria provided, single submitter. Criteria: ARUP Molecular Germline Variant Investigation Process 2024. Collection method: clinical testing. Allele origin: germline.
Comment: The KIF1A c.2265G>A; p.Thr755= variant (rs773940730), to our knowledge, is not reported in the medical literature but is reported in ClinVar (Variation ID: 641960). This variant is only observed on four alleles in the Genome Aggregation Database (v2.1.1), indicating it is not a common polymorphism. This is a synonymous variant and computational analyses (Alamut Visual Plus v.1.5.1) predict that this variant may impact splicing by creating a novel cryptic acceptor splice site. Due to limited information, the clinical significance of this variant is uncertain at this time.

NM_001244008.2(KIF1A):c.2292G>A (p.Thr764=)

Gene: KIF1A (kinesin family member 1A; minus strand). Cytogenetic location: 2q37.3.
Variant type: single nucleotide variant.
Coding change: c.2292G>A on transcript NM_001244008.2 (MANE Select); coding-DNA position 2292, G replaced by A.
Protein change: p.Thr764=; no amino-acid change (threonine 764 retained).
Molecular consequence: synonymous variant.
Genome position (GRCh38, 1-based): chr2:240,760,817, C>T on the plus strand (G>A on the coding strand, the complement: KIF1A is on the minus strand). VCF-style: chr2-240760817-C-T. GRCh37 (hg19) VCF-style: chr2-241700234-C-T.
Other names: c.2292G>A (NM_001244008.1); c.2292G>A, p.Thr764= (NM_001320705.2, NM_001330289.2, NM_001379638.1); c.2367G>A, p.Thr789= (NM_001330290.2, NM_001379631.1, NM_001379634.1 and 2 more transcripts); c.2265G>A, p.Thr755= (NM_001379632.1, NM_001379633.1, NM_001379636.1 and 10 more transcripts); c.2340G>A, p.Thr780= (NM_001379637.1, NM_001379648.1).
Identifiers: ClinVar variation 641960 (VCV000641960.11), dbSNP rs773940730, ClinGen allele CA2208133.
Genomic context (GRCh38, chr2:240,760,817, plus strand): 5'-TCGGTCTTTGGCGGCCTCTGGGGGCAGCAGGTCGGGTGGCAGAGGGGAGTAGAGTGTGTC[C>T]GTCAGGAGGACAAACTGGAATTGTACCTGTGACAGGGGAAGATGACCACTCGTCAGCTCC-3'
Protein context (NP_001230937.1, residues 754-774): KKVQFQFVLL[Thr764=]DTLYSPLPPD